The following is an entry in ClinVar:

ClinVar aggregate classification (germline): Uncertain significance (1 of 4 stars; one submission).

Conditions:
Tuberous sclerosis 1 (TSC1). Identifiers: Orphanet 805, MedGen C1854465, MONDO:0008612, OMIM 191100.

Submission:

Labcorp Genetics (formerly Invitae), Labcorp
Classification: Uncertain significance for Tuberous sclerosis 1. Last evaluated: 2025-08-17. Review status: criteria provided, single submitter. Criteria: Invitae Variant Classification Sherloc (09022015). Collection method: clinical testing. Allele origin: germline.
Comment: This sequence change replaces alanine, which is neutral and non-polar, with valine, which is neutral and non-polar, at codon 481 of the TSC1 protein (p.Ala481Val). This variant is not present in population databases (gnomAD no frequency). This variant has not been reported in the literature in individuals affected with TSC1-related conditions. ClinVar contains an entry for this variant (Variation ID: 534467). Invitae Evidence Modeling of protein sequence and biophysical properties (such as structural, functional, and spatial information, amino acid conservation, physicochemical variation, residue mobility, and thermodynamic stability) indicates that this missense variant is not expected to disrupt TSC1 protein function with a negative predictive value of 95%. In summary, the available evidence is currently insufficient to determine the role of this variant in disease. Therefore, it has been classified as a Variant of Uncertain Significance.

NM_000368.5(TSC1):c.1442C>T (p.Ala481Val)

Gene: TSC1 (TSC complex subunit 1; minus strand). Cytogenetic location: 9q34.13.
Variant type: single nucleotide variant.
Coding change: c.1442C>T on transcript NM_000368.5 (MANE Select); coding-DNA position 1442, C replaced by T.
Protein change: p.Ala481Val; replaces alanine 481 with valine.
Molecular consequence: missense variant.
Genome position (GRCh38, 1-based): chr9:132,906,136, G>A on the plus strand (C>T on the coding strand, the complement: TSC1 is on the minus strand). VCF-style: chr9-132906136-G-A. GRCh37 (hg19) VCF-style: chr9-135781523-G-A.
Other names: c.1439C>T, p.Ala480Val (NM_001162426.2); c.1289C>T, p.Ala430Val (NM_001162427.2); c.1079C>T, p.Ala360Val (NM_001362177.2); short protein forms A481V, A360V, A430V, A480V.
Identifiers: ClinVar variation 534467 (VCV000534467.8), dbSNP rs775367219, ClinGen allele CA375365620.